The following is an entry in ClinVar:

ClinVar aggregate classification (germline): Uncertain significance (1 of 4 stars; one submission).

gnomAD v4.1: 1 of 1,613,418 alleles (0.000062%); highest among the groups gnomAD compares: Non-Finnish European, 0.000085%; no homozygotes.

Submission:

Ambry Genetics
Classification: Uncertain significance. Last evaluated: 2024-08-30. Review status: criteria provided, single submitter. Criteria: Ambry Variant Classification Scheme 2023. Collection method: clinical testing. Allele origin: germline.
Comment: The c.4243-3T>C intronic variant results from a T to C substitution 3 nucleotides upstream from coding exon 12 in the MLH3 gene. This nucleotide position is poorly conserved in available vertebrate species. In silico splice site analysis predicts that this alteration will not have any significant effect on splicing. The evidence for this gene-disease relationship is limited; therefore, the clinical significance of this alteration is unclear.

NM_001040108.2(MLH3):c.4243-3T>C

Gene: MLH3 (mutL homolog 3; minus strand). Cytogenetic location: 14q24.3.
Variant type: single nucleotide variant.
Coding change: c.4243-3T>C on transcript NM_001040108.2 (MANE Select); 3 bases into the intron before coding-DNA position 4243, T replaced by C.
Molecular consequence: intron variant.
Genome position (GRCh38, 1-based): chr14:75,017,204, A>G on the plus strand (T>C on the coding strand, the complement: MLH3 is on the minus strand). VCF-style: chr14-75017204-A-G. GRCh37 (hg19) VCF-style: chr14-75483907-A-G.
Other names: c.4171-3T>C (NM_014381.3).
Identifiers: ClinVar variation 3396692 (VCV003396692.1).